The following is an entry in ClinVar:

ClinVar aggregate classification (germline): Uncertain significance (1 of 4 stars; one submission).

Conditions:
Elliptocytosis 2 (EL2). Also called: ELLIPTOCYTOSIS, RHESUS-UNLINKED TYPE. Identifiers: Orphanet 288, MedGen C1851741, MONDO:0007533, OMIM 130600.

Submission:

Illumina Laboratory Services, Illumina
Classification: Uncertain significance for Elliptocytosis 2. Last evaluated: 2021-03-03. Review status: criteria provided, single submitter. Criteria: ICSLVariantClassificationCriteria RUGD 01 April 2020. Collection method: clinical testing. Allele origin: unknown.
Comment: The SPTA1 c.6172T>G (p.Trp2058Gly) variant is a missense variant. A literature search was performed for the gene, cDNA change, and amino acid change. No publications were found based on this search. This variant is not found in the Genome Aggregation Database in a region of good sequence coverage, so the variant is presumed to be rare. Based on the limited evidence, the p.Trp2058Gly variant is classified as a variant of uncertain significance for elliptocytosis.

NM_003126.4(SPTA1):c.6172T>G (p.Trp2058Gly)

Gene: SPTA1 (spectrin alpha, erythrocytic 1; minus strand). Cytogenetic location: 1q23.1.
Variant type: single nucleotide variant.
Coding change: c.6172T>G on transcript NM_003126.4 (MANE Select); coding-DNA position 6172, T replaced by G.
Protein change: p.Trp2058Gly; replaces tryptophan 2058 with glycine.
Molecular consequence: missense variant.
Genome position (GRCh38, 1-based): chr1:158,620,415, A>C on the plus strand (T>G on the coding strand, the complement: SPTA1 is on the minus strand). VCF-style: chr1-158620415-A-C. GRCh37 (hg19) VCF-style: chr1-158590205-A-C.
Other names: short protein forms W2058G.
Identifiers: ClinVar variation 1199196 (VCV001199196.4), dbSNP rs2101760861, ClinGen allele CA343018894.